The following is an entry in ClinVar:

NM_152618.3(BBS12):c.940A>G (p.Arg314Gly)

Gene: BBS12 (Bardet-Biedl syndrome 12; plus strand). Cytogenetic location: 4q27.
Variant type: single nucleotide variant.
Coding change: c.940A>G on transcript NM_152618.3 (MANE Select); coding-DNA position 940, A replaced by G.
Protein change: p.Arg314Gly; replaces arginine 314 with glycine.
Molecular consequence: missense variant.
Genome position (GRCh38, 1-based): chr4:122,742,832, A>G. VCF-style: chr4-122742832-A-G. GRCh37 (hg19) VCF-style: chr4-123663987-A-G.
Other names: c.940A>G, p.Arg314Gly (NM_001178007.2); short protein forms R314G.
Identifiers: ClinVar variation 1337071 (VCV001337071.12), dbSNP rs749107412, ClinGen allele CA3069350.

ClinVar aggregate classification (germline): Conflicting classifications of pathogenicity. Review status: criteria provided, conflicting classifications (1 of 4 stars). 5 submissions from 5 submitters: Pathogenic (1); Likely pathogenic (3); Uncertain significance (1). Last evaluated 2025-12-29.

Conditions:
Bardet-Biedl syndrome 12 (BBS12). Identifiers: Orphanet 110, MedGen C1859570, MONDO:0014440, OMIM 615989.
BBS12-related disorder. Also called: BBS12-related condition.
Bardet-Biedl syndrome (BBS). Identifiers: Orphanet 110, MedGen C0752166, MONDO:0015229.

Allele frequency attached by ClinVar (database versions not stated): gnomAD exomes below 0.00001; TOPMed below 0.00001; ExAC 0.00001.
gnomAD v4.1: 6 of 1,614,248 alleles (0.00037%); highest among the groups gnomAD compares: Non-Finnish European, 0.00042%; no homozygotes.

Submissions (5):

Labcorp Genetics (formerly Invitae), Labcorp
Classification: Pathogenic for Bardet-Biedl syndrome. Last evaluated: 2025-12-29. Review status: criteria provided, single submitter. Criteria: Invitae Variant Classification Sherloc (09022015). Collection method: clinical testing. Allele origin: germline.
Comment: This sequence change replaces arginine, which is basic and polar, with glycine, which is neutral and non-polar, at codon 314 of the BBS12 protein (p.Arg314Gly). This variant is present in population databases (rs749107412, gnomAD 0.0009%). This missense change has been observed in individual(s) with clinical features of Bardet-Biedl syndrome (internal data). In at least one individual the data is consistent with being in trans (on the opposite chromosome) from a pathogenic variant. It has also been observed to segregate with disease in related individuals. ClinVar contains an entry for this variant (Variation ID: 1337071). Invitae Evidence Modeling of protein sequence and biophysical properties (such as structural, functional, and spatial information, amino acid conservation, physicochemical variation, residue mobility, and thermodynamic stability) indicates that this missense variant is not expected to disrupt BBS12 protein function with a negative predictive value of 80%. For these reasons, this variant has been classified as Pathogenic.

Natera, Inc.
Classification: Likely pathogenic for Bardet-Biedl syndrome type 12. Last evaluated: 2025-09-29. Review status: criteria provided, single submitter. Criteria: Natera Variant Classification Schema (03/2026). Collection method: clinical testing. Allele origin: germline.
Comment: The c.940A>G variant in BBS12 is a missense variant predicted to cause substitution of arginine to glycine at amino acid 314. This variant is rare in the general population with a frequency below the threshold expected for the associated phenotype(s). This variant has been observed in one or more individuals affected with the associated recessive disease, as either homozygous or compound heterozygous with a second variant (PMID: 37469681). Additionally, this variant has been observed to segregate in affected family members (PMID: 37469681). Given the available evidence, this variant is classified as Likely Pathogenic.

Blueprint Genetics
Classification: Likely pathogenic for BBS12-related disorders. Last evaluated: 2024-09-13. Review status: criteria provided, single submitter. Criteria: ACMG Guidelines, 2015. Collection method: clinical testing. Allele origin: germline. Affected: yes. Observed: 5 variant alleles.

Genetic Services Laboratory, University of Chicago
Classification: Uncertain significance. Last evaluated: 2019-03-07. Review status: criteria provided, single submitter. Criteria: ACMG Guidelines, 2015. Collection method: clinical testing. Allele origin: germline. Affected: no.

Kariminejad - Najmabadi Pathology & Genetics Center
Classification: Likely pathogenic for Bardet-Biedl syndrome 12. Review status: criteria provided, single submitter. Criteria: ACMG Guidelines, 2015. Collection method: clinical testing. Allele origin: germline. Affected: no.

Literature cited by the submitters: PubMed 37469681 (cited by Natera, Inc.).